The following is an entry in ClinVar:

NM_032590.5(KDM2B):c.1163C>G (p.Ser388Trp)

Gene: KDM2B (lysine demethylase 2B; minus strand). Cytogenetic location: 12q24.31.
Variant type: single nucleotide variant.
Coding change: c.1163C>G on transcript NM_032590.5 (MANE Select); coding-DNA position 1163, C replaced by G.
Protein change: p.Ser388Trp; replaces serine 388 with tryptophan.
Molecular consequence: missense variant.
Genome position (GRCh38, 1-based): chr12:121,513,287, G>C on the plus strand (C>G on the coding strand, the complement: KDM2B is on the minus strand). VCF-style: chr12-121513287-G-C. GRCh37 (hg19) VCF-style: chr12-121951090-G-C.
Other names: c.1070C>G, p.Ser357Trp (NM_001005366.2); short protein forms S357W, S388W.
Identifiers: ClinVar variation 3365883 (VCV003365883.1).

ClinVar aggregate classification (germline): Uncertain significance (1 of 4 stars; one submission).

Submission:

GeneDx
Classification: Uncertain significance. Last evaluated: 2023-12-17. Review status: criteria provided, single submitter. Criteria: GeneDx Variant Classification Process June 2021. Collection method: clinical testing. Allele origin: germline. Affected: yes.
Comment: Not observed at significant frequency in large population cohorts (gnomAD); In silico analysis supports that this missense variant has a deleterious effect on protein structure/function; Has not been previously published as pathogenic or benign to our knowledge